The following is an entry in ClinVar:

NM_004360.5(CDH1):c.688-13T>C

Gene: CDH1 (cadherin 1; plus strand). Cytogenetic location: 16q22.1.
Variant type: single nucleotide variant.
Coding change: c.688-13T>C on transcript NM_004360.5 (MANE Select); 13 bases into the intron before coding-DNA position 688, T replaced by C.
Molecular consequence: intron variant.
Genome position (GRCh38, 1-based): chr16:68,810,184, T>C. VCF-style: chr16-68810184-T-C. GRCh37 (hg19) VCF-style: chr16-68844087-T-C.
Other names: c.-928-13T>C (NM_001317185.2); c.-1132-13T>C (NM_001317186.2); c.688-13T>C (NM_001317184.2).
Identifiers: ClinVar variation 3378793 (VCV003378793.1).

ClinVar aggregate classification (germline): Likely benign (1 of 4 stars; one submission).

Conditions:
Hereditary diffuse gastric adenocarcinoma (HDGC). Also called: DIFFUSE GASTRIC AND LOBULAR BREAST CANCER SYNDROME. Identifiers: Orphanet 26106, MedGen C1708349, MONDO:0007648, OMIM 137215.

Submission:

Myriad Genetics, Inc.
Classification: Likely benign for Hereditary diffuse gastric adenocarcinoma. Last evaluated: 2024-09-13. Review status: criteria provided, single submitter. Criteria: Myriad Autosomal Dominant, Autosomal Recessive and X-Linked Classification Criteria (2023). Collection method: clinical testing. Allele origin: unknown.
Comment: This variant is considered likely benign. This variant is intronic and is not expected to impact mRNA splicing.